The following is an entry in ClinVar:

ClinVar aggregate classification (germline): Uncertain significance. Review status: criteria provided, multiple submitters, no conflicts (2 of 4 stars). 3 submissions from 3 submitters: Uncertain significance (3). Last evaluated 2026-06-03.

Conditions:
Neurodevelopmental disorder with or without anomalies of the brain, eye, or heart (NEDBEH). Identifiers: Orphanet 494344, MedGen C5567477, MONDO:0014857, OMIM 616975.
Inborn genetic diseases. Identifiers: MedGen C0950123, MeSH D030342.

Submissions (3):

Ambry Genetics
Classification: Uncertain significance for Inborn genetic diseases. Last evaluated: 2026-06-03. Review status: criteria provided, single submitter. Criteria: Ambry Variant Classification Scheme 2023. Collection method: clinical testing. Allele origin: germline.

Labcorp Genetics (formerly Invitae), Labcorp
Classification: Uncertain significance. Last evaluated: 2024-01-24. Review status: criteria provided, single submitter. Criteria: Invitae Variant Classification Sherloc (09022015). Collection method: clinical testing. Allele origin: germline.
Comment: This sequence change replaces proline, which is neutral and non-polar, with leucine, which is neutral and non-polar, at codon 1384 of the RERE protein (p.Pro1384Leu). This variant is not present in population databases (gnomAD no frequency). This variant has not been reported in the literature in individuals affected with RERE-related conditions. ClinVar contains an entry for this variant (Variation ID: 2124626). Advanced modeling of protein sequence and biophysical properties (such as structural, functional, and spatial information, amino acid conservation, physicochemical variation, residue mobility, and thermodynamic stability) has been performed at Invitae for this missense variant, however the output from this modeling did not meet the statistical confidence thresholds required to predict the impact of this variant on RERE protein function. In summary, the available evidence is currently insufficient to determine the role of this variant in disease. Therefore, it has been classified as a Variant of Uncertain Significance.

Laboratorio de Genetica e Diagnostico Molecular, Hospital Israelita Albert Einstein
Classification: Uncertain significance for Neurodevelopmental disorder with or without anomalies of the brain, eye, or heart. Last evaluated: 2023-10-05. Review status: criteria provided, single submitter. Criteria: ACMG Guidelines, 2015. Collection method: clinical testing. Allele origin: germline. Affected: yes.
Comment: ACMG classification criteria: PM2 moderate

NM_001042681.2(RERE):c.4151C>T (p.Pro1384Leu)

Gene: RERE (arginine-glutamic acid dipeptide repeats; minus strand). Cytogenetic location: 1p36.23.
Variant type: single nucleotide variant.
Coding change: c.4151C>T on transcript NM_001042681.2 (MANE Select); coding-DNA position 4151, C replaced by T.
Protein change: p.Pro1384Leu; replaces proline 1384 with leucine.
Molecular consequence: missense variant.
Genome position (GRCh38, 1-based): chr1:8,358,384, G>A on the plus strand (C>T on the coding strand, the complement: RERE is on the minus strand). VCF-style: chr1-8358384-G-A. GRCh37 (hg19) VCF-style: chr1-8418444-G-A.
Other names: c.4151C>T (NM_012102.3); c.2489C>T, p.Pro830Leu (NM_001042682.2); c.4151C>T, p.Pro1384Leu (NM_012102.4); short protein forms P830L, P1384L.
Identifiers: ClinVar variation 2124626 (VCV002124626.6), dbSNP rs771686980, ClinGen allele CA338169106.